The following is an entry in ClinVar:

ClinVar aggregate classification (germline): Uncertain significance. Review status: criteria provided, multiple submitters, no conflicts (2 of 4 stars). 2 submissions from 2 submitters: Uncertain significance (2). Last evaluated 2025-05-20.

Allele frequency attached by ClinVar (database versions not stated): gnomAD exomes 0.00001 and 0.00003; gnomAD 0.00003 and 0.00004; ExAC 0.00002; TOPMed 0.00004; ESP Exome Variant Server 0.00008.
gnomAD v4.1: 45 of 1,613,814 alleles (0.0028%); highest among the groups gnomAD compares: Non-Finnish European, 0.0037%; no homozygotes.

Submissions (2):

Ambry Genetics
Classification: Uncertain significance. Last evaluated: 2025-05-20. Review status: criteria provided, single submitter. Criteria: Ambry Variant Classification Scheme 2023. Collection method: clinical testing. Allele origin: germline.

Labcorp Genetics (formerly Invitae), Labcorp
Classification: Uncertain significance. Last evaluated: 2022-03-10. Review status: criteria provided, single submitter. Criteria: Invitae Variant Classification Sherloc (09022015). Collection method: clinical testing. Allele origin: germline.
Comment: This sequence change replaces isoleucine, which is neutral and non-polar, with valine, which is neutral and non-polar, at codon 125 of the RDH11 protein (p.Ile125Val). This variant is present in population databases (rs375887260, gnomAD 0.003%). This variant has not been reported in the literature in individuals affected with RDH11-related conditions. ClinVar contains an entry for this variant (Variation ID: 1055271). Algorithms developed to predict the effect of missense changes on protein structure and function output the following: SIFT: "Tolerated"; PolyPhen-2: "Benign"; Align-GVGD: "Class C0". The valine amino acid residue is found in multiple mammalian species, which suggests that this missense change does not adversely affect protein function. In summary, the available evidence is currently insufficient to determine the role of this variant in disease. Therefore, it has been classified as a Variant of Uncertain Significance.

NM_016026.4(RDH11):c.373A>G (p.Ile125Val)

Genes: GPHN (gephyrin; plus strand), RDH11 (retinol dehydrogenase 11; minus strand). Cytogenetic location: 14q24.1.
Variant type: single nucleotide variant.
Coding change: c.373A>G on transcript NM_016026.4 (MANE Select); coding-DNA position 373, A replaced by G.
Protein change: p.Ile125Val; replaces isoleucine 125 with valine.
Molecular consequence: missense variant.
Genome position (GRCh38, 1-based): chr14:67,691,221, T>C on the plus strand (A>G on the coding strand, the complement: RDH11 is on the minus strand). VCF-style: chr14-67691221-T-C. GRCh37 (hg19) VCF-style: chr14-68157938-T-C.
Other names: c.373A>G, p.Ile125Val (NM_001252650.2); c.373A>G (NM_016026.3); short protein forms I125V.
Identifiers: ClinVar variation 1055271 (VCV001055271.7), dbSNP rs375887260, ClinGen allele CA7238411.